The following is an entry in ClinVar:

NM_014249.4(NR2E3):c.2T>G (p.Met1Arg)

Gene: NR2E3 (nuclear receptor subfamily 2 group E member 3; plus strand). Cytogenetic location: 15q23.
Variant type: single nucleotide variant.
Coding change: c.2T>G on transcript NM_014249.4 (MANE Select); coding-DNA position 2, T replaced by G.
Protein change: p.Met1Arg; changes the start codon (methionine 1).
Molecular consequence: missense variant, initiator codon variant.
Genome position (GRCh38, 1-based): chr15:71,810,745, T>G. VCF-style: chr15-71810745-T-G. GRCh37 (hg19) VCF-style: chr15-72103085-T-G.
Other names: c.2T>G, p.Met1Arg (NM_016346.4); short protein forms M1R.
Identifiers: ClinVar variation 942544 (VCV000942544.5), dbSNP rs975791531, ClinGen allele CA272574434.

ClinVar aggregate classification (germline): Uncertain significance. Review status: criteria provided, single submitter (1 of 4 stars). 2 submissions from 2 submitters: Uncertain significance (1). 1 of the submissions does not count toward it. Last evaluated 2022-06-28.

Conditions:
Enhanced S-cone syndrome (ESCS). Identifiers: Orphanet 53540, MedGen C1849394, MONDO:0100288, MONDO:0009989.

Allele frequency attached by ClinVar (database versions not stated): gnomAD 0.00001; gnomAD exomes 0.00001; TOPMed 0.00002.

Submissions (2):

Labcorp Genetics (formerly Invitae), Labcorp
Classification: Uncertain significance. Last evaluated: 2022-06-28. Review status: criteria provided, single submitter. Criteria: Invitae Variant Classification Sherloc (09022015). Collection method: clinical testing. Allele origin: germline.
Comment: This sequence change affects the initiator methionine of the NR2E3 mRNA. The next in-frame methionine is located at codon 9. This variant is present in population databases (no rsID available, gnomAD 0.001%). This variant has not been reported in the literature in individuals affected with NR2E3-related conditions. ClinVar contains an entry for this variant (Variation ID: 942544). Experimental studies and prediction algorithms are not available or were not evaluated, and the functional significance of this variant is currently unknown. In summary, the available evidence is currently insufficient to determine the role of this variant in disease. Therefore, it has been classified as a Variant of Uncertain Significance.

Natera, Inc.
Classification: Uncertain significance for Enhanced S cone syndrome. Last evaluated: 2020-09-25. Review status: no assertion criteria provided. Collection method: clinical testing. Allele origin: germline. Not counted in ClinVar's aggregate classification.